The following is an entry in ClinVar:

NM_000352.6(ABCC8):c.4089C>T (p.His1363=)

Gene: ABCC8 (ATP binding cassette subfamily C member 8; minus strand). Cytogenetic location: 11p15.1.
Variant type: single nucleotide variant.
Coding change: c.4089C>T on transcript NM_000352.6 (MANE Select); coding-DNA position 4089, C replaced by T.
Protein change: p.His1363=; no amino-acid change (histidine 1363 retained).
Molecular consequence: synonymous variant. On other transcripts: non-coding transcript variant (1).
Genome position (GRCh38, 1-based): chr11:17,396,946, G>A on the plus strand (C>T on the coding strand, the complement: ABCC8 is on the minus strand). VCF-style: chr11-17396946-G-A. GRCh37 (hg19) VCF-style: chr11-17418493-G-A.
Other names: c.4092C>T, p.His1364= (NM_001287174.3); c.4155C>T, p.His1385= (NM_001351295.2); c.4089C>T, p.His1363= (NM_001351296.2); c.4086C>T, p.His1362= (NM_001351297.2).
Identifiers: ClinVar variation 746718 (VCV000746718.12), dbSNP rs1211875269, ClinGen allele CA473298455.
Genomic context (GRCh38, chr11:17,396,946, plus strand): 5'-TGCAGCATTGGGTTGGGCCCGTGCTCTGACCTTCTGTCCAGGGGCGATGAGGGCATTGAC[G>A]TGCTTCAGCACCGGCTTCAGGGAGCTGTCGTAGCGCACGCTCAGGTTCTGGATCTGGATC-3'
Protein context (NP_000343.2, residues 1353-1373): YDSSLKPVLK[His1363=]VNALIAPGQK

ClinVar aggregate classification (germline): Conflicting classifications of pathogenicity. Review status: criteria provided, conflicting classifications (1 of 4 stars). 4 submissions from 3 submitters: Uncertain significance (2); Likely benign (2). Last evaluated 2024-02-11.

Conditions:
Transitory neonatal diabetes mellitus. Also called: Transient neonatal diabetes mellitus. Identifiers: MedGen C0342273, MONDO:0020525, HP:0008255.
Maturity-onset diabetes of the young (MODY). Also called: Maturity onset diabetes mellitus in young. Identifiers: Orphanet 552, MedGen C0342276, MONDO:0018911, HP:0004904.

gnomAD v4.1: 28 of 1,614,088 alleles (0.0017%); highest among the groups gnomAD compares: East Asian, 0.047%; no homozygotes.

Submissions (4):

Labcorp Genetics (formerly Invitae), Labcorp
Classification: Likely benign. Last evaluated: 2024-02-11. Review status: criteria provided, single submitter. Criteria: Invitae Variant Classification Sherloc (09022015). Collection method: clinical testing. Allele origin: germline.

Blueprint Genetics
Classification: Likely benign. Last evaluated: 2020-10-06. Review status: criteria provided, single submitter. Criteria: ACMG Guidelines, 2015. Collection method: clinical testing. Allele origin: germline.

Clinical Genomics, Uppaluri K&H Personalized Medicine Clinic
Classification: Uncertain significance for Maturity-onset diabetes of the young. Review status: criteria provided, single submitter. Criteria: K & H Uppaluri Personalized Medicine Clinic Variant Classification & Assertion Criteria_Updated V.1. Collection method: research. Allele origin: somatic. Inheritance: Somatic mutation.
Comment: Mutations in ABCC8 gene are associated with both neonatal diabetes mellitus as well as MODY. Patients with this mutation may have a better response to sulfonylureas. However, no sufficient evidence is found to ascertain the role of this particular variant (rs1211875269) in MODY yet.

Clinical Genomics, Uppaluri K&H Personalized Medicine Clinic
Classification: Uncertain significance for Transitory neonatal diabetes mellitus. Review status: criteria provided, single submitter. Criteria: K & H Uppaluri Personalized Medicine Clinic Variant Classification & Assertion Criteria_Updated V.1. Collection method: research. Allele origin: somatic. Inheritance: Somatic mutation.
Comment: Mutations in ABCC8 gene are associated with both neonatal diabetes mellitus as well as MODY. Patients with this mutation may have a better response to sulfonylureas. However, no sufficient evidence is found to ascertain the role of this particular variant (rs1211875269) in neonatal diabetes yet.

Literature cited by the submitters: PubMed 16885549 (cited by Clinical Genomics, Uppaluri K&H Personalized Medicine Clinic); PubMed 21989597 (cited by Clinical Genomics, Uppaluri K&H Personalized Medicine Clinic); PubMed 27538677 (cited by Clinical Genomics, Uppaluri K&H Personalized Medicine Clinic); PubMed 18981553 (cited by Clinical Genomics, Uppaluri K&H Personalized Medicine Clinic); PubMed 32027066 (cited by Clinical Genomics, Uppaluri K&H Personalized Medicine Clinic); PubMed 16613899 (cited by Clinical Genomics, Uppaluri K&H Personalized Medicine Clinic); PubMed 18025408 (cited by Clinical Genomics, Uppaluri K&H Personalized Medicine Clinic); PubMed 32792356 (cited by Clinical Genomics, Uppaluri K&H Personalized Medicine Clinic).